The following is an entry in ClinVar:

NM_000455.5(STK11):c.765C>T (p.Phe255=)

Gene: STK11 (serine/threonine kinase 11; plus strand). Cytogenetic location: 19p13.3.
Variant type: single nucleotide variant.
Coding change: c.765C>T on transcript NM_000455.5 (MANE Select); coding-DNA position 765, C replaced by T.
Protein change: p.Phe255=; no amino-acid change (phenylalanine 255 retained).
Molecular consequence: synonymous variant.
Genome position (GRCh38, 1-based): chr19:1,221,243, C>T. VCF-style: chr19-1221243-C-T. GRCh37 (hg19) VCF-style: chr19-1221242-C-T.
Identifiers: ClinVar variation 184461 (VCV000184461.36), dbSNP rs769912677, ClinGen allele CA023269.

ClinVar aggregate classification (germline): Benign/Likely benign. Review status: criteria provided, multiple submitters, no conflicts (2 of 4 stars). 13 submissions from 13 submitters: Benign (3); Likely benign (8). 2 of the submissions do not count toward it. Last evaluated 2026-01-25.

Conditions:
STK11-related disorder. Also called: STK11-related condition.
Hereditary cancer-predisposing syndrome. Also called: Tumor predisposition; Hereditary Cancer Syndrome; Hereditary neoplastic syndrome; Neoplastic Syndromes, Hereditary. Identifiers: Orphanet 140162, MedGen C0027672, MeSH D009386, MONDO:0015356.
Peutz-Jeghers syndrome (PJS). Also called: POLYPOSIS, HAMARTOMATOUS INTESTINAL; POLYPS-AND-SPOTS SYNDROME; Peutz-Jeghers polyposis; Periorificial lentiginosis syndrome. Identifiers: Orphanet 2869, MedGen C0031269, MeSH D010580, MONDO:0008280, OMIM 175200.
Malignant tumor of breast. Also called: Cancer breast; Malignant breast neoplasm. Identifiers: MedGen C0006142, MONDO:0007254. Disease mechanism: loss of function.

Allele frequency attached by ClinVar (database versions not stated): gnomAD 0.00001; ExAC 0.00002; gnomAD exomes 0.00002 and 0.00003; TOPMed 0.00002.

Submissions (13):

Labcorp Genetics (formerly Invitae), Labcorp
Classification: Likely benign for Peutz-Jeghers syndrome. Last evaluated: 2026-01-25. Review status: criteria provided, single submitter. Criteria: Invitae Variant Classification Sherloc (09022015). Collection method: clinical testing. Allele origin: germline.

Myriad Genetics, Inc.
Classification: Benign for Peutz-Jeghers syndrome. Last evaluated: 2025-03-27. Review status: criteria provided, single submitter. Criteria: Myriad Autosomal Dominant, Autosomal Recessive and X-Linked Classification Criteria (2023). Collection method: clinical testing. Allele origin: unknown.
Comment: This variant is considered benign. This variant is a silent/synonymous amino acid change and it is not expected to impact splicing.

Center for Genomic Medicine, Rigshospitalet, Copenhagen University Hospital
Classification: Likely benign. Last evaluated: 2025-03-04. Review status: criteria provided, single submitter. Criteria: ACMG Guidelines, 2015. Collection method: clinical testing. Allele origin: germline.

KCCC/NGS Laboratory, Kuwait Cancer Control Center
Classification: Benign for Peutz-Jeghers syndrome. Last evaluated: 2025-02-01. Review status: criteria provided, single submitter. Criteria: ACMG Guidelines, 2015. Collection method: clinical testing. Allele origin: germline. Affected: no.

All of Us Research Program, National Institutes of Health
Classification: Likely benign for Peutz-Jeghers syndrome. Last evaluated: 2024-08-13. Review status: criteria provided, single submitter. Criteria: ACMG Guidelines, 2015. Collection method: clinical testing. Allele origin: germline. Inheritance: Autosomal dominant inheritance. Observed: 10 variant alleles, 10 heterozygotes.
Comment: This study involves interpretation of variants in research participants for the purpose of population health screening. Participant phenotype was not available at the time of variant classification. Additional details can be found in publication PMID: 35346344, PMCID: PMC8962531

Women's Health and Genetics/Laboratory Corporation of America, LabCorp
Classification: Likely benign. Last evaluated: 2022-07-07. Review status: criteria provided, single submitter. Criteria: LabCorp Variant Classification Summary - May 2015. Collection method: clinical testing. Allele origin: germline.

Sema4
Classification: Likely benign for Hereditary cancer-predisposing syndrome. Last evaluated: 2021-11-26. Review status: criteria provided, single submitter. Criteria: Sema4 Curation Guidelines. Collection method: curation. Allele origin: germline.

Genome-Nilou Lab
Classification: Likely benign for Peutz-Jeghers syndrome. Last evaluated: 2021-07-15. Review status: criteria provided, single submitter. Criteria: ACMG Guidelines, 2015. Collection method: clinical testing. Allele origin: germline. Affected: no.

Color Diagnostics, LLC DBA Color Health
Classification: Likely benign for Hereditary cancer-predisposing syndrome. Last evaluated: 2015-12-28. Review status: criteria provided, single submitter. Criteria: ACMG Guidelines, 2015. Collection method: clinical testing. Allele origin: germline.

GeneDx
Classification: Benign. Last evaluated: 2015-09-24. Review status: criteria provided, single submitter. Criteria: GeneDx Variant Classification Process June 2021. Collection method: clinical testing. Allele origin: germline. Affected: yes.

Ambry Genetics
Classification: Likely benign for Hereditary cancer-predisposing syndrome. Last evaluated: 2014-12-30. Review status: criteria provided, single submitter. Criteria: Ambry Variant Classification Scheme 2023. Collection method: clinical testing. Allele origin: germline.

PreventionGenetics, part of Exact Sciences
Classification: Likely benign for STK11-related condition. Last evaluated: 2022-05-26. Review status: no assertion criteria provided. Collection method: clinical testing. Allele origin: germline. Not counted in ClinVar's aggregate classification.
Comment: This variant is classified as likely benign based on ACMG/AMP sequence variant interpretation guidelines (Richards et al. 2015 PMID: 25741868, with internal and published modifications).

Department of Pathology and Laboratory Medicine, Sinai Health System
Classification: Likely benign for Malignant tumor of breast. Review status: no assertion criteria provided. Collection method: clinical testing. Allele origin: unknown. Affected: yes. Study: The Canadian Open Genetics Repository (COGR). Not counted in ClinVar's aggregate classification.
Comment: The STK11 p.Phe255Phe variant was not identified in the literature nor was it identified in the COSMIC, MutDB, LOVD 3.0, Zhejiang Colon Cancer Database, or Insight Hereditary Tumors Database. The variant was identified in dbSBP (ID: rs769912677) as â€šÃ„ÃºWith Likely benign alleleâ€šÃ„Ã¹, ClinVar (2x likely benign: Ambry Genetics, Invitae), Clinvitae (2x likely benign: Invitae, ClinVar), databases. The variant was identified in control databases in 4 of 276208 chromosomes (3x European non-Finnish, 1x European Finnish) at a frequency of 0.00001 increasing the likelihood that this may be a low frequency benign variant in certain populations of origin (Genome Aggregation Consortium Feb 27, 2017). The p.Phe255Phe variant is not expected to have clinical significance because it does not result in a change of amino acid and is not located in a known consensus splice site. In summary, based on the above information the clinical significance of this variant cannot be determined with certainty at this time although we would lean towards a more benign role for this variant. This variant is classified as likely benign.